The following is an entry in ClinVar:

ClinVar aggregate classification (germline): Uncertain significance. Review status: criteria provided, multiple submitters, no conflicts (2 of 4 stars). 3 submissions from 3 submitters: Uncertain significance (3). Last evaluated 2025-09-11.

Conditions:
Emery-Dreifuss muscular dystrophy 5, autosomal dominant (EDMD5). Also called: EMERY-DREIFUSS MUSCULAR DYSTROPHY 5. Identifiers: Orphanet 261, MedGen C2751805, MONDO:0013072, OMIM 612999.

Allele frequency attached by ClinVar (database versions not stated): gnomAD 0.00001 and 0.00003; TOPMed 0.00001; gnomAD exomes 0.00003; 1000 Genomes Project 30x 0.00016; 1000 Genomes Project 0.00020.
gnomAD v4.1: 52 of 1,614,204 alleles (0.0032%); highest among the groups gnomAD compares: Middle Eastern, 0.12%; 1 homozygote.

Submissions (3):

Labcorp Genetics (formerly Invitae), Labcorp
Classification: Uncertain significance for Emery-Dreifuss muscular dystrophy 5, autosomal dominant. Last evaluated: 2025-09-11. Review status: criteria provided, single submitter. Criteria: Invitae Variant Classification Sherloc (09022015). Collection method: clinical testing. Allele origin: germline.
Comment: This sequence change replaces aspartic acid, which is acidic and polar, with glutamic acid, which is acidic and polar, at codon 3512 of the SYNE2 protein (p.Asp3512Glu). This variant is present in population databases (rs557133901, gnomAD 0.03%). This variant has not been reported in the literature in individuals affected with SYNE2-related conditions. ClinVar contains an entry for this variant (Variation ID: 1382092). An algorithm developed to predict the effect of missense changes on protein structure and function outputs the following: PolyPhen-2: "Benign". The glutamic acid amino acid residue is found in multiple mammalian species, which suggests that this missense change does not adversely affect protein function. In summary, the available evidence is currently insufficient to determine the role of this variant in disease. Therefore, it has been classified as a Variant of Uncertain Significance.

Ambry Genetics
Classification: Uncertain significance. Last evaluated: 2024-10-04. Review status: criteria provided, single submitter. Criteria: Ambry Variant Classification Scheme 2023. Collection method: clinical testing. Allele origin: germline.

Athena Diagnostics
Classification: Uncertain significance. Last evaluated: 2021-12-12. Review status: criteria provided, single submitter. Criteria: Athena Diagnostics Criteria. Collection method: clinical testing. Allele origin: unknown.

NM_182914.3(SYNE2):c.10536C>A (p.Asp3512Glu)

Gene: SYNE2 (spectrin repeat containing nuclear envelope protein 2; plus strand). Cytogenetic location: 14q23.2.
Variant type: single nucleotide variant.
Coding change: c.10536C>A on transcript NM_182914.3 (MANE Select); coding-DNA position 10536, C replaced by A.
Protein change: p.Asp3512Glu; replaces aspartic acid 3512 with glutamic acid.
Molecular consequence: missense variant.
Genome position (GRCh38, 1-based): chr14:64,070,749, C>A. VCF-style: chr14-64070749-C-A. GRCh37 (hg19) VCF-style: chr14-64537467-C-A.
Other names: c.10536C>A, p.Asp3512Glu (NM_015180.6); short protein forms D3512E.
Identifiers: ClinVar variation 1382092 (VCV001382092.8), dbSNP rs557133901, ClinGen allele CA7221542.